The following is an entry in ClinVar:

ClinVar aggregate classification (germline): Uncertain significance (1 of 4 stars; one submission).

Allele frequency attached by ClinVar (database versions not stated): gnomAD exomes below 0.00001; TOPMed below 0.00001.
gnomAD v4.1: 4 of 1,585,438 alleles (0.00025%); highest among the groups gnomAD compares: Non-Finnish European, 0.00034%; no homozygotes.

Submission:

Labcorp Genetics (formerly Invitae), Labcorp
Classification: Uncertain significance. Last evaluated: 2022-04-07. Review status: criteria provided, single submitter. Criteria: Invitae Variant Classification Sherloc (09022015). Collection method: clinical testing. Allele origin: germline.
Comment: In summary, the available evidence is currently insufficient to determine the role of this variant in disease. Therefore, it has been classified as a Variant of Uncertain Significance. Algorithms developed to predict the effect of missense changes on protein structure and function are either unavailable or do not agree on the potential impact of this missense change (SIFT: "Not Available"; PolyPhen-2: "Benign"; Align-GVGD: "Not Available"). This variant has not been reported in the literature in individuals affected with TIMM50-related conditions. This variant is not present in population databases (gnomAD no frequency). This sequence change replaces proline, which is neutral and non-polar, with leucine, which is neutral and non-polar, at codon 132 of the TIMM50 protein (p.Pro132Leu).

NM_001001563.5(TIMM50):c.86C>T (p.Pro29Leu)

Gene: TIMM50 (translocase of inner mitochondrial membrane 50; plus strand). Cytogenetic location: 19q13.2.
Variant type: single nucleotide variant.
Coding change: c.86C>T on transcript NM_001001563.5 (MANE Select); coding-DNA position 86, C replaced by T.
Protein change: p.Pro29Leu; replaces proline 29 with leucine.
Molecular consequence: missense variant. On other transcripts: 5 prime UTR variant (1).
Genome position (GRCh38, 1-based): chr19:39,480,939, C>T. VCF-style: chr19-39480939-C-T. GRCh37 (hg19) VCF-style: chr19-39971579-C-T.
Other names: c.-195C>T (NM_001329559.2); short protein forms P29L.
Identifiers: ClinVar variation 2122568 (VCV002122568.4), dbSNP rs1349234846, ClinGen allele CA405785954.